The following is an entry in ClinVar:

ClinVar aggregate classification (germline): Uncertain significance (1 of 4 stars; one submission).

Submission:

GeneDx
Classification: Uncertain significance. Last evaluated: 2022-01-24. Review status: criteria provided, single submitter. Criteria: GeneDx Variant Classification Process June 2021. Collection method: clinical testing. Allele origin: germline. Affected: yes.
Comment: Not observed in large population cohorts (gnomAD); In silico analysis, which includes protein predictors and evolutionary conservation, supports a deleterious effect; Has not been previously published as pathogenic or benign to our knowledge; Variants in candidate genes are classified as variants of uncertain significance in accordance with ACMG guidelines (Richards et al., 2015)

NM_001395002.1(MAP4K4):c.68G>C (p.Gly23Ala)

Gene: MAP4K4 (mitogen-activated protein kinase kinase kinase kinase 4; plus strand). Cytogenetic location: 2q11.2.
Variant type: single nucleotide variant.
Coding change: c.68G>C on transcript NM_001395002.1 (MANE Select); coding-DNA position 68, G replaced by C.
Protein change: p.Gly23Ala; replaces glycine 23 with alanine.
Molecular consequence: missense variant. On other transcripts: non-coding transcript variant (4).
Genome position (GRCh38, 1-based): chr2:101,698,483, G>C. VCF-style: chr2-101698483-G-C. GRCh37 (hg19) VCF-style: chr2-102314945-G-C.
Other names: c.68G>C, p.Gly23Ala (NM_001242559.2, NM_001242560.2, NM_001384476.1 and 29 more transcripts); c.-676G>C (NM_001384489.1, NM_001384505.1, NM_001384544.1 and 1 more transcripts); c.41G>C, p.Gly14Ala (NM_001384549.1, NM_001384550.1, NM_001384551.1 and 16 more transcripts); short protein forms G14A, G23A.
Identifiers: ClinVar variation 2573809 (VCV002573809.1), dbSNP rs2466781417, ClinGen allele CA347975941.